The following is an entry in ClinVar:

NM_001244008.2(KIF1A):c.4529C>G (p.Pro1510Arg)

Gene: KIF1A (kinesin family member 1A; minus strand). Cytogenetic location: 2q37.3.
Variant type: single nucleotide variant.
Coding change: c.4529C>G on transcript NM_001244008.2 (MANE Select); coding-DNA position 4529, C replaced by G.
Protein change: p.Pro1510Arg; replaces proline 1510 with arginine.
Molecular consequence: missense variant.
Genome position (GRCh38, 1-based): chr2:240,722,592, G>C on the plus strand (C>G on the coding strand, the complement: KIF1A is on the minus strand). VCF-style: chr2-240722592-G-C. GRCh37 (hg19) VCF-style: chr2-241662009-G-C.
Other names: c.4253C>G, p.Pro1418Arg (NM_001320705.2, NM_001379649.1); c.4280C>G, p.Pro1427Arg (NM_001330289.2); c.4328C>G, p.Pro1443Arg (NM_001330290.2, NM_001379648.1); c.4604C>G, p.Pro1535Arg (NM_001379631.1); c.4505C>G, p.Pro1502Arg (NM_001379632.1); c.4502C>G, p.Pro1501Arg (NM_001379633.1, NM_001379645.1); c.4355C>G, p.Pro1452Arg (NM_001379634.1); c.4352C>G, p.Pro1451Arg (NM_001379635.1, NM_001379646.1); and 7 more; short protein forms P1409R, P1417R, P1443R, P1501R, P1502R, P1408R, P1452R, P1535R.
Identifiers: ClinVar variation 2072796 (VCV002072796.4), dbSNP rs368005947, ClinGen allele CA351304314.

ClinVar aggregate classification (germline): Uncertain significance (1 of 4 stars; one submission).

Conditions:
Hereditary spastic paraplegia 30. Identifiers: Orphanet 101010, MedGen C5235139, MONDO:0012476.
Neuropathy, hereditary sensory, type 2C. Also called: Hereditary sensory and autonomic neuropathy type IIC; KIF1A-Related HSAN2 (HSAN2C). Identifiers: Orphanet 970, MedGen C3280168, MONDO:0013634, OMIM 614213.
Intellectual disability, autosomal dominant 9 (NESCAVS). Also called: NESCAV SYNDROME; KIF1A-Related Neurodevelopmental Disorder. Identifiers: Orphanet 662367, MedGen C5393830, MONDO:0013656, OMIM 614255.

Submission:

Labcorp Genetics (formerly Invitae), Labcorp
Classification: Uncertain significance for Hereditary spastic paraplegia 30; Neuropathy, hereditary sensory, type 2C; Intellectual disability, autosomal dominant 9. Last evaluated: 2023-07-10. Review status: criteria provided, single submitter. Criteria: Invitae Variant Classification Sherloc (09022015). Collection method: clinical testing. Allele origin: germline.
Comment: In summary, the available evidence is currently insufficient to determine the role of this variant in disease. Therefore, it has been classified as a Variant of Uncertain Significance. Advanced modeling of protein sequence and biophysical properties (such as structural, functional, and spatial information, amino acid conservation, physicochemical variation, residue mobility, and thermodynamic stability) performed at Invitae indicates that this missense variant is not expected to disrupt KIF1A protein function. ClinVar contains an entry for this variant (Variation ID: 2072796). This variant has not been reported in the literature in individuals affected with KIF1A-related conditions. This variant is not present in population databases (gnomAD no frequency). This sequence change replaces proline, which is neutral and non-polar, with arginine, which is basic and polar, at codon 1409 of the KIF1A protein (p.Pro1409Arg).